The following is an entry in ClinVar:

ClinVar aggregate classification (germline): Uncertain significance. Review status: criteria provided, multiple submitters, no conflicts (2 of 4 stars). 2 submissions from 2 submitters: Uncertain significance (2). Last evaluated 2025-02-10.

Conditions:
Hereditary cancer-predisposing syndrome. Also called: Tumor predisposition; Hereditary Cancer Syndrome; Hereditary neoplastic syndrome; Neoplastic Syndromes, Hereditary. Identifiers: Orphanet 140162, MedGen C0027672, MeSH D009386, MONDO:0015356.
Ataxia-telangiectasia syndrome (AT). Also called: Ataxia telangiectasia (A-T); LOUIS-BAR SYNDROME; Cerebello-oculocutaneous telangiectasia; Immunodeficiency with ataxia telangiectasia; ATAXIA-TELANGIECTASIA, COMPLEMENTATION GROUP A; ATAXIA-TELANGIECTASIA, FRESNO VARIANT. Identifiers: Orphanet 100, MedGen C0004135, MONDO:0008840, OMIM 208900.

Submissions (2):

Labcorp Genetics (formerly Invitae), Labcorp
Classification: Uncertain significance for Ataxia-telangiectasia syndrome. Last evaluated: 2025-02-10. Review status: criteria provided, single submitter. Criteria: Invitae Variant Classification Sherloc (09022015). Collection method: clinical testing. Allele origin: germline.
Comment: This sequence change replaces alanine, which is neutral and non-polar, with proline, which is neutral and non-polar, at codon 531 of the ATM protein (p.Ala531Pro). This variant is not present in population databases (gnomAD no frequency). This variant has not been reported in the literature in individuals affected with ATM-related conditions. ClinVar contains an entry for this variant (Variation ID: 234226). Invitae Evidence Modeling of protein sequence and biophysical properties (such as structural, functional, and spatial information, amino acid conservation, physicochemical variation, residue mobility, and thermodynamic stability) indicates that this missense variant is not expected to disrupt ATM protein function with a negative predictive value of 95%. In summary, the available evidence is currently insufficient to determine the role of this variant in disease. Therefore, it has been classified as a Variant of Uncertain Significance.

Ambry Genetics
Classification: Uncertain significance for Hereditary cancer-predisposing syndrome. Last evaluated: 2023-02-18. Review status: criteria provided, single submitter. Criteria: Ambry Variant Classification Scheme 2023. Collection method: clinical testing. Allele origin: germline.
Comment: The p.A531P variant (also known as c.1591G>C), located in coding exon 9 of the ATM gene, results from a G to C substitution at nucleotide position 1591. The alanine at codon 531 is replaced by proline, an amino acid with highly similar properties. This amino acid position is well conserved in available vertebrate species. In addition, the in silico prediction for this alteration is inconclusive. Since supporting evidence is limited at this time, the clinical significance of this alteration remains unclear.

NM_000051.4(ATM):c.1591G>C (p.Ala531Pro)

Gene: ATM (ATM serine/threonine kinase; plus strand). Cytogenetic location: 11q22.3.
Variant type: single nucleotide variant.
Coding change: c.1591G>C on transcript NM_000051.4 (MANE Select); coding-DNA position 1591, G replaced by C.
Protein change: p.Ala531Pro; replaces alanine 531 with proline.
Molecular consequence: missense variant.
Genome position (GRCh38, 1-based): chr11:108,251,056, G>C. VCF-style: chr11-108251056-G-C. GRCh37 (hg19) VCF-style: chr11-108121783-G-C.
Other names: c.1591G>C, p.Ala531Pro (NM_001351834.2); short protein forms A531P.
Identifiers: ClinVar variation 234226 (VCV000234226.13), dbSNP rs876660941, ClinGen allele CA10579016.
Genomic context (GRCh38, chr11:108,251,056, plus strand): 5'-ATAATTCAGGGTAGTTTAGTTGAGGTTGACAGAGAATTCTGGAAGTTATTTACTGGGTCA[G>C]CCTGCAGACCTTCATGGTAAGTTCAGCATGCATTATGTCTGACTTACAGATAAACACACA-3'
Protein context (NP_000042.3, residues 521-541): REFWKLFTGS[Ala531Pro]CRPSCPAVCC